The following is an entry in ClinVar:

ClinVar aggregate classification (germline): Pathogenic (1 of 4 stars; one submission).

Conditions:
Granulomatous disease, chronic, X-linked. Also called: CYTOCHROME b-NEGATIVE GRANULOMATOUS DISEASE, CHRONIC, X-LINKED; GRANULOMATOUS DISEASE, CHRONIC, X-LINKED, SOMATIC MOSAIC. Identifiers: Orphanet 379, MedGen C1844376, MONDO:0010600, OMIM 306400.

Submission:

Labcorp Genetics (formerly Invitae), Labcorp
Classification: Pathogenic for Granulomatous disease, chronic, X-linked. Last evaluated: 2024-12-26. Review status: criteria provided, single submitter. Criteria: Invitae Variant Classification Sherloc (09022015). Collection method: clinical testing. Allele origin: germline.
Comment: This sequence change creates a premature translational stop signal (p.Leu173Argfs*33) in the CYBB gene. It is expected to result in an absent or disrupted protein product. Loss-of-function variants in CYBB are known to be pathogenic (PMID: 9585602, 20729109). This variant is not present in population databases (gnomAD no frequency). This variant has not been reported in the literature in individuals affected with CYBB-related conditions. For these reasons, this variant has been classified as Pathogenic.

Literature cited by the submitters: PubMed 9585602; PubMed 20729109.

NM_000397.4(CYBB):c.511_517dup (p.Leu173fs)

Gene: CYBB (cytochrome b-245 beta chain; plus strand). Cytogenetic location: Xp21.1.
Variant type: Duplication.
Coding change: c.511_517dup on transcript NM_000397.4 (MANE Select); coding-DNA positions 511 to 517, 7 bases duplicated (GTGACCC; older notation c.511_517dupGTGACCC).
Protein change: p.Leu173fs; shifts the reading frame from leucine 173.
Molecular consequence: frameshift variant.
Genome position (GRCh38, 1-based): chrX:37,795,978-37,795,984, GTGACCC duplicated. VCF-style (leftmost placement, unchanged base first): chrX-37795977-T-TGTGACCC. GRCh37 (hg19) VCF-style: chrX-37655230-T-TGTGACCC.
Other names: short protein forms L173fs.
Identifiers: ClinVar variation 3728111 (VCV003728111.2).